The following is an entry in ClinVar:

NM_000051.4(ATM):c.5006-1G>A

Gene: ATM (ATM serine/threonine kinase; plus strand). Cytogenetic location: 11q22.3.
Variant type: single nucleotide variant.
Coding change: c.5006-1G>A on transcript NM_000051.4 (MANE Select); the canonical splice acceptor site of the intron before coding-DNA position 5006, G replaced by A.
Molecular consequence: splice acceptor variant.
Genome position (GRCh38, 1-based): chr11:108,299,713, G>A. VCF-style: chr11-108299713-G-A. GRCh37 (hg19) VCF-style: chr11-108170440-G-A.
Other names: c.5006-1G>A (NM_001351834.2).
Identifiers: ClinVar variation 645434 (VCV000645434.8), dbSNP rs1591701799, ClinGen allele CA382539971.

ClinVar aggregate classification (germline): Likely pathogenic. Review status: criteria provided, multiple submitters, no conflicts (2 of 4 stars). 2 submissions from 2 submitters: Likely pathogenic (2). Last evaluated 2025-07-02.

Conditions:
Familial cancer of breast. Also called: hereditary breast carcinoma; BREAST CANCER, FAMILIAL; Hereditary breast cancer. Identifiers: Orphanet 227535, MedGen C0346153, MONDO:0016419, OMIM 114480. Disease mechanism: loss of function.
Ataxia-telangiectasia syndrome (AT). Also called: LOUIS-BAR SYNDROME; Ataxia-telangiectasia, complementation group E; Ataxia-telangiectasia, complementation group D; AT, COMPLEMENTATION GROUP C; Ataxia telangiectasia (A-T); Cerebello-oculocutaneous telangiectasia. Identifiers: Orphanet 100, MedGen C0004135, MONDO:0008840, OMIM 208900.

Submissions (2):

Myriad Genetics, Inc.
Classification: Likely pathogenic for Familial cancer of breast. Last evaluated: 2025-07-02. Review status: criteria provided, single submitter. Criteria: Myriad Autosomal Dominant, Autosomal Recessive and X-Linked Classification Criteria (2023). Collection method: clinical testing. Allele origin: unknown.
Comment: This variant is considered likely pathogenic. This variant occurs within a consensus splice junction and is predicted to result in abnormal mRNA splicing of either an out-of-frame exon or an in-frame exon necessary for protein stability and/or normal function. mRNA analysis has demonstrated abnormal mRNA splicing occurs [Myriad internal data].

Labcorp Genetics (formerly Invitae), Labcorp
Classification: Likely pathogenic for Ataxia-telangiectasia syndrome. Last evaluated: 2025-05-21. Review status: criteria provided, single submitter. Criteria: Invitae Variant Classification Sherloc (09022015). Collection method: clinical testing. Allele origin: germline.
Comment: This sequence change affects an acceptor splice site in intron 33 of the ATM gene. It is expected to disrupt RNA splicing. Variants that disrupt the donor or acceptor splice site typically lead to a loss of protein function (PMID: 16199547), and loss-of-function variants in ATM are known to be pathogenic (PMID: 23807571, 25614872). This variant is not present in population databases (gnomAD no frequency). Disruption of this splice site has been observed in individual(s) with pancreatic cancer (PMID: 35171259). ClinVar contains an entry for this variant (Variation ID: 645434). Algorithms developed to predict the effect of sequence changes on RNA splicing suggest that this variant may disrupt the consensus splice site. In summary, the currently available evidence indicates that the variant is pathogenic, but additional data are needed to prove that conclusively. Therefore, this variant has been classified as Likely Pathogenic.

Literature cited by the submitters: PubMed 16199547 (cited by Labcorp Genetics (formerly Invitae), Labcorp); PubMed 23807571 (cited by Labcorp Genetics (formerly Invitae), Labcorp); PubMed 25614872 (cited by Labcorp Genetics (formerly Invitae), Labcorp); PubMed 35171259 (cited by Labcorp Genetics (formerly Invitae), Labcorp).